The following is an entry in ClinVar:

NM_005530.3(IDH3A):c.273C>A (p.Asn91Lys)

Gene: IDH3A (isocitrate dehydrogenase (NAD(+)) 3 catalytic subunit alpha; plus strand). Cytogenetic location: 15q25.1.
Variant type: single nucleotide variant.
Coding change: c.273C>A on transcript NM_005530.3 (MANE Select); coding-DNA position 273, C replaced by A.
Protein change: p.Asn91Lys; replaces asparagine 91 with lysine.
Molecular consequence: missense variant.
Genome position (GRCh38, 1-based): chr15:78,160,190, C>A. VCF-style: chr15-78160190-C-A. GRCh37 (hg19) VCF-style: chr15-78452532-C-A.
Other names: short protein forms N91K.
Identifiers: ClinVar variation 4294090 (VCV004294090.1).

ClinVar aggregate classification (germline): Uncertain significance (1 of 4 stars; one submission).

Conditions:
Retinitis pigmentosa 90. Identifiers: MedGen C5436588, MONDO:0033563, OMIM 619007.

Submission:

3billion
Classification: Uncertain significance for Retinitis pigmentosa 90. Last evaluated: 2024-11-08. Review status: criteria provided, single submitter. Criteria: ACMG Guidelines, 2015. Collection method: clinical testing. Allele origin: germline. Affected: yes.
Comment: The variant is not observed in the gnomAD v4.1.0 dataset. Predicted Consequence/Location: Missense variant Therefore, this variant is classified as VUS according to the recommendation of ACMG/AMP guideline.